The following is an entry in ClinVar:

NM_000273.3(GPR143):c.885+2T>G

Gene: GPR143 (G protein-coupled receptor 143; minus strand). Cytogenetic location: Xp22.2.
Variant type: single nucleotide variant.
Coding change: c.885+2T>G on transcript NM_000273.3 (MANE Select); the canonical splice donor site of the intron after coding-DNA position 885, T replaced by G.
Molecular consequence: splice donor variant.
Genome position (GRCh38, 1-based): chrX:9,741,336, A>C on the plus strand (T>G on the coding strand, the complement: GPR143 is on the minus strand). VCF-style: chrX-9741336-A-C. GRCh37 (hg19) VCF-style: chrX-9709376-A-C.
Identifiers: ClinVar variation 1514322 (VCV001514322.6), dbSNP rs2146685691, ClinGen allele CA411995711.

ClinVar aggregate classification (germline): Likely pathogenic (1 of 4 stars; one submission).

Submission:

Labcorp Genetics (formerly Invitae), Labcorp
Classification: Likely pathogenic. Last evaluated: 2023-08-10. Review status: criteria provided, single submitter. Criteria: Invitae Variant Classification Sherloc (09022015). Collection method: clinical testing. Allele origin: germline.
Comment: Algorithms developed to predict the effect of sequence changes on RNA splicing suggest that this variant may disrupt the consensus splice site. In summary, the currently available evidence indicates that the variant is pathogenic, but additional data are needed to prove that conclusively. Therefore, this variant has been classified as Likely Pathogenic. ClinVar contains an entry for this variant (Variation ID: 1514322). This sequence change affects a donor splice site in intron 7 of the GPR143 gene. It is expected to disrupt RNA splicing. Variants that disrupt the donor or acceptor splice site typically lead to a loss of protein function (PMID: 16199547), and loss-of-function variants in GPR143 are known to be pathogenic (PMID: 15965158, 18978956, 19390656, 21541274, 26160353, 28211458). This variant is not present in population databases (gnomAD no frequency). Disruption of this splice site has been observed in individual(s) with ocular albinism (Invitae).

Literature cited by the submitters: PubMed 16199547; PubMed 15965158; PubMed 18978956; PubMed 19390656; PubMed 21541274; PubMed 26160353; PubMed 28211458.